The following is an entry in ClinVar:

NM_181523.3(PIK3R1):c.1686_1721dup (p.Leu573_Arg574insSerMetAsnSerIleLysProAspLeuIleGlnLeu)

Gene: PIK3R1 (phosphoinositide-3-kinase regulatory subunit 1; plus strand). Cytogenetic location: 5q13.1.
Variant type: Duplication.
Coding change: c.1686_1721dup on transcript NM_181523.3 (MANE Select); coding-DNA positions 1686 to 1721, 36 bases duplicated.
Protein change: p.Leu573_Arg574insSerMetAsnSerIleLysProAspLeuIleGlnLeu.
Genome position (GRCh38, 1-based): chr5:68,295,265-68,295,300, 36 bases duplicated; duplicating any 36 consecutive bases within chr5:68,295,264-68,295,300 gives the same sequence; the c. name uses the placement nearest the transcript's 3' end. GRCh37 (hg19): chr5:67,591,093-67,591,128.
Other names: c.597_632dup, p.Leu210_Arg211insSerMetAsnSerIleLysProAspLeuIleGlnLeu (NM_001242466.2); c.876_911dup, p.Leu303_Arg304insSerMetAsnSerIleLysProAspLeuIleGlnLeu (NM_181504.4); c.786_821dup, p.Leu273_Arg274insSerMetAsnSerIleLysProAspLeuIleGlnLeu (NM_181524.2).
Identifiers: ClinVar variation 4530387 (VCV004530387.1).

ClinVar aggregate classification (somatic clinical impact): Tier I - Strong (1 of 4 stars; one submission).

Conditions:
Diffuse midline glioma, H3 K27M-mutant. Identifiers: MedGen C4289688, MONDO:0957196.

Submission:

Institute for Genomic Medicine (IGM) Clinical Laboratory, Nationwide Children's Hospital
Classification: Tier I - Strong for Diffuse midline glioma, H3 K27M-mutant. Assertion type: diagnostic. Clinical significance: supports diagnosis. Last evaluated: 2024-12-06. Review status: criteria provided, single submitter. Criteria: AMP/ASCO/CAP Guidelines, 2017. Collection method: clinical testing. Allele origin: somatic. Affected: yes.
Comment: Variant has Tier I (strong) clinical significance as a diagnostic inclusion criterion in diffuse midline glioma, H3 K27M-mutant, based on the following evidence: 1) Documented in one or more cancer databases (e.g., St. Jude Pecan, COSMIC, CIViC, OncoKB). 2) Appears in one or more well-established professional guidelines (e.g., World Health Organization [WHO]; National Comprehensive Cancer Network [NCCN]) as providing diagnostic, prognostic, or therapeutic information. 3) Diagnostic for a specific tumor type/classification based on well-powered studies with expert-level consensus (Evidence Level B; PMIDs: 27048880, 28966033, 29967352, 31348837, 32555164, 32680567).

Literature cited by the submitters: PubMed 27048880; PubMed 28966033; PubMed 29967352; PubMed 31348837; PubMed 32555164; PubMed 32680567.